The following is an entry in ClinVar:

ClinVar aggregate classification (germline): Uncertain significance. Review status: criteria provided, multiple submitters, no conflicts (2 of 4 stars). 2 submissions from 2 submitters: Uncertain significance (2). Last evaluated 2025-05-27.

Conditions:
Inborn genetic diseases. Identifiers: MedGen C0950123, MeSH D030342.

Allele frequency attached by ClinVar (database versions not stated): ExAC 0.00001.
gnomAD v4.1: 4 of 1,613,144 alleles (0.00025%); highest among the groups gnomAD compares: Admixed American, 0.0017%; no homozygotes.

Submissions (2):

Ambry Genetics
Classification: Uncertain significance for Inborn genetic diseases. Last evaluated: 2025-05-27. Review status: criteria provided, single submitter. Criteria: Ambry Variant Classification Scheme 2023. Collection method: clinical testing. Allele origin: germline.
Comment: The p.L1347V variant (also known as c.4039C>G), located in coding exon 1 of the SAMD9 gene, results from a C to G substitution at nucleotide position 4039. The leucine at codon 1347 is replaced by valine, an amino acid with highly similar properties. This amino acid position is conserved. In addition, this alteration is predicted to be tolerated by in silico analysis. Based on the available evidence, the clinical significance of this variant remains unclear.

Labcorp Genetics (formerly Invitae), Labcorp
Classification: Uncertain significance. Last evaluated: 2023-01-30. Review status: criteria provided, single submitter. Criteria: Invitae Variant Classification Sherloc (09022015). Collection method: clinical testing. Allele origin: germline.
Comment: In summary, the available evidence is currently insufficient to determine the role of this variant in disease. Therefore, it has been classified as a Variant of Uncertain Significance. Advanced modeling of protein sequence and biophysical properties (such as structural, functional, and spatial information, amino acid conservation, physicochemical variation, residue mobility, and thermodynamic stability) has been performed at Invitae for this missense variant, however the output from this modeling did not meet the statistical confidence thresholds required to predict the impact of this variant on SAMD9 protein function. This variant has not been reported in the literature in individuals affected with SAMD9-related conditions. This variant is present in population databases (rs749496405, gnomAD 0.003%). This sequence change replaces leucine, which is neutral and non-polar, with valine, which is neutral and non-polar, at codon 1347 of the SAMD9 protein (p.Leu1347Val).

NM_017654.4(SAMD9):c.4039C>G (p.Leu1347Val)

Gene: SAMD9 (sterile alpha motif domain containing 9; minus strand). Cytogenetic location: 7q21.2.
Variant type: single nucleotide variant.
Coding change: c.4039C>G on transcript NM_017654.4 (MANE Select); coding-DNA position 4039, C replaced by G.
Protein change: p.Leu1347Val; replaces leucine 1347 with valine.
Molecular consequence: missense variant.
Genome position (GRCh38, 1-based): chr7:93,102,059, G>C on the plus strand (C>G on the coding strand, the complement: SAMD9 is on the minus strand). VCF-style: chr7-93102059-G-C. GRCh37 (hg19) VCF-style: chr7-92731372-G-C.
Other names: c.4039C>G, p.Leu1347Val (NM_001193307.2); c.4039C>G (NM_017654.3); short protein forms L1347V.
Identifiers: ClinVar variation 3011739 (VCV003011739.4), dbSNP rs749496405, ClinGen allele CA4342607.